The following is an entry in ClinVar:

ClinVar aggregate classification (germline): Uncertain significance (0 of 4 stars; one submission).

Conditions:
DNAH11-related disorder. Also called: DNAH11-related condition.

Allele frequency attached by ClinVar (database versions not stated): TOPMed below 0.00001; gnomAD 0.00001.
gnomAD v4.1: 1 of 1,612,654 alleles (0.000062%); highest among the groups gnomAD compares: African/African-American, 0.0013%; no homozygotes.

Submission:

PreventionGenetics, part of Exact Sciences
Classification: Uncertain significance for DNAH11-related condition. Last evaluated: 2024-01-12. Review status: no assertion criteria provided. Collection method: clinical testing. Allele origin: germline.
Comment: The DNAH11 c.12424A>T variant is predicted to result in the amino acid substitution p.Ile4142Phe. To our knowledge, this variant has not been reported in the literature. This variant is reported in 0.023% of alleles in individuals of African descent in gnomAD. At this time, the clinical significance of this variant is uncertain due to the absence of conclusive functional and genetic evidence.

NM_001277115.2(DNAH11):c.12424A>T (p.Ile4142Phe)

Gene: DNAH11 (dynein axonemal heavy chain 11; plus strand). Cytogenetic location: 7p15.3.
Variant type: single nucleotide variant.
Coding change: c.12424A>T on transcript NM_001277115.2 (MANE Select); coding-DNA position 12424, A replaced by T.
Protein change: p.Ile4142Phe; replaces isoleucine 4142 with phenylalanine.
Molecular consequence: missense variant.
Genome position (GRCh38, 1-based): chr7:21,884,327, A>T. VCF-style: chr7-21884327-A-T. GRCh37 (hg19) VCF-style: chr7-21923945-A-T.
Other names: c.12445A>T, p.Ile4149Phe (NM_003777.3); short protein forms I4142F, I4149F.
Identifiers: ClinVar variation 3039109 (VCV003039109.2), dbSNP rs1034111426, ClinGen allele CA155162875.
Genomic context (GRCh38, chr7:21,884,327, plus strand): 5'-ATATTTGTGTGGTTTTCTCCACAGGTCCCATGGGAAGATCTCCGTTATCTCTTTGGTGAG[A>T]TCATGTATGGAGGCCACATCACAGATGACTGGGATCGCAAACTGTGTCGGGTGTATTTAG-3'
Protein context (NP_001264044.1, residues 4132-4152): WEDLRYLFGE[Ile4142Phe]MYGGHITDDW